The following is an entry in ClinVar:

ClinVar aggregate classification (germline): Uncertain significance (1 of 4 stars; one submission).

Submission:

Labcorp Genetics (formerly Invitae), Labcorp
Classification: Uncertain significance. Last evaluated: 2024-09-04. Review status: criteria provided, single submitter. Criteria: Invitae Variant Classification Sherloc (09022015). Collection method: clinical testing. Allele origin: germline.
Comment: This sequence change creates a premature translational stop signal (p.Trp172Glyfs*37) in the HOXB13 gene. While this is not anticipated to result in nonsense mediated decay, it is expected to disrupt the last 113 amino acid(s) of the HOXB13 protein. This variant is not present in population databases (gnomAD no frequency). This variant has not been reported in the literature in individuals affected with HOXB13-related conditions. In summary, the available evidence is currently insufficient to determine the role of this variant in disease. Therefore, it has been classified as a Variant of Uncertain Significance.

NM_006361.6(HOXB13):c.513_514del (p.Trp172fs)

Gene: HOXB13 (homeobox B13; minus strand). Cytogenetic location: 17q21.32.
Variant type: Deletion.
Coding change: c.513_514del on transcript NM_006361.6 (MANE Select); coding-DNA positions 513 to 514, 2 bases deleted (TT; older notation c.513_514delTT).
Protein change: p.Trp172fs; shifts the reading frame from tryptophan 172.
Molecular consequence: frameshift variant.
Genome position (GRCh38, 1-based): chr17:48,728,080-48,728,081, AA deleted on the plus strand (TT on the coding strand, the reverse complement: HOXB13 is on the minus strand). VCF-style (leftmost placement, unchanged base first): chr17-48728079-CAA-C. GRCh37 (hg19) VCF-style: chr17-46805441-CAA-C.
Other names: short protein forms W172fs.
Identifiers: ClinVar variation 3664463 (VCV003664463.2).